The following is an entry in ClinVar:

ClinVar aggregate classification (germline): Conflicting classifications of pathogenicity. Review status: criteria provided, conflicting classifications (1 of 4 stars). 4 submissions from 4 submitters: Uncertain significance (3); Benign (1). Last evaluated 2025-11-16.

Conditions:
Basal cell carcinoma, susceptibility to, 1. Also called: BCC1. Identifiers: MedGen C2751544, MONDO:0011556, OMIM 605462.
Holoprosencephaly 7 (HPE7). Identifiers: Orphanet 2162, MedGen C1835820, MONDO:0012562, OMIM 610828.
Basal cell nevus syndrome 1 (BCNS1). Also called: GORLIN-GOLTZ SYNDROME; MULTIPLE BASAL CELL NEVI, ODONTOGENIC KERATOCYSTS, AND SKELETAL ANOMALIES. Identifiers: MedGen CN376810, MONDO:0958174, OMIM 109400.
Hereditary cancer-predisposing syndrome. Also called: Tumor predisposition; Hereditary Cancer Syndrome; Hereditary neoplastic syndrome; Neoplastic Syndromes, Hereditary. Identifiers: Orphanet 140162, MedGen C0027672, MeSH D009386, MONDO:0015356.
Gorlin syndrome. Also called: Nevoid Basal Cell Carcinoma Syndrome; Basal cell nevus syndrome. Identifiers: Orphanet 377, MedGen C0004779, MONDO:0007187.

Allele frequency attached by ClinVar (database versions not stated): gnomAD exomes below 0.00001 and 0.00002; TOPMed below 0.00001.
gnomAD v4.1: 5 of 1,614,198 alleles (0.00031%); highest among the groups gnomAD compares: East Asian, 0.0067%; no homozygotes.

Submissions (4):

Labcorp Genetics (formerly Invitae), Labcorp
Classification: Benign for Gorlin syndrome. Last evaluated: 2025-11-16. Review status: criteria provided, single submitter. Criteria: Invitae Variant Classification Sherloc (09022015). Collection method: clinical testing. Allele origin: germline.

GeneDx
Classification: Uncertain significance. Last evaluated: 2025-03-11. Review status: criteria provided, single submitter. Criteria: GeneDx Variant Classification Process June 2021. Collection method: clinical testing. Allele origin: germline. Affected: yes.
Comment: In silico analysis indicates that this missense variant does not alter protein structure/function; Has not been previously published as pathogenic or benign to our knowledge

Fulgent Genetics
Classification: Uncertain significance for Basal cell nevus syndrome 1; Basal cell carcinoma, susceptibility to, 1; Holoprosencephaly 7. Last evaluated: 2024-06-22. Review status: criteria provided, single submitter. Criteria: ACMG Guidelines, 2015. Collection method: clinical testing. Allele origin: germline.

Ambry Genetics
Classification: Uncertain significance for Hereditary cancer-predisposing syndrome. Last evaluated: 2019-09-26. Review status: criteria provided, single submitter. Criteria: Ambry Variant Classification Scheme 2023. Collection method: clinical testing. Allele origin: germline.
Comment: The p.T768I variant (also known as c.2303C>T), located in coding exon 15 of the PTCH1 gene, results from a C to T substitution at nucleotide position 2303. The threonine at codon 768 is replaced by isoleucine, an amino acid with similar properties. This amino acid position is highly conserved in available vertebrate species. In addition, this alteration is predicted to be deleterious by in silico analysis. Since supporting evidence is limited at this time, the clinical significance of this alteration remains unclear.

NM_000264.5(PTCH1):c.2303C>T (p.Thr768Ile)

Genes: PTCH1 (patched 1; minus strand), LOC100507346 (uncharacterized LOC100507346; plus strand). Cytogenetic location: 9q22.32.
Variant type: single nucleotide variant.
Coding change: c.2303C>T on transcript NM_000264.5 (MANE Select); coding-DNA position 2303, C replaced by T.
Protein change: p.Thr768Ile; replaces threonine 768 with isoleucine.
Molecular consequence: missense variant. On other transcripts: non-coding transcript variant (1).
Genome position (GRCh38, 1-based): chr9:95,467,373, G>A on the plus strand (C>T on the coding strand, the complement: PTCH1 is on the minus strand). VCF-style: chr9-95467373-G-A. GRCh37 (hg19) VCF-style: chr9-98229655-G-A.
Other names: c.2105C>T, p.Thr702Ile (NM_001083602.3); c.2300C>T, p.Thr767Ile (NM_001083603.3); c.1850C>T, p.Thr617Ile (NM_001083604.3, NM_001083605.3, NM_001083606.3 and 1 more transcripts); c.2147C>T, p.Thr716Ile (NM_001354918.2); short protein forms T702I, T768I, T767I, T617I, T716I.
Identifiers: ClinVar variation 237469 (VCV000237469.17), dbSNP rs878853850, ClinGen allele CA10582681.